The following is an entry in ClinVar:

ClinVar aggregate classification (germline): Uncertain significance (1 of 4 stars; one submission).

Conditions:
IFT81-related disorder. Also called: IFT81-related condition.

Submission:

PreventionGenetics, part of Exact Sciences
Classification: Uncertain significance for IFT81-related condition. Last evaluated: 2026-05-15. Review status: criteria provided, single submitter. Criteria: ACMG Guidelines, 2015. Collection method: clinical testing. Allele origin: germline.
Comment: The IFT81 c.1934dupT variant is predicted to result in a frameshift and premature protein termination (p.Leu645Phefs*5). To our knowledge, this variant has not been reported in the literature or in a large population database (gnomAD), indicating this variant is rare. Protein-truncating variants in IFT81 have been classified as pathogenic; however, this variant is within the final exon of the gene. Although we suspect that this variant may be pathogenic, at this time, the clinical significance of this variant is uncertain due to the absence of conclusive functional and genetic evidence.

NM_014055.4(IFT81):c.1934dup (p.Leu645fs)

Gene: IFT81 (intraflagellar transport 81; plus strand). Cytogenetic location: 12q24.11.
Variant type: Duplication.
Coding change: c.1934dup on transcript NM_014055.4 (MANE Select); coding-DNA position 1934, one base duplicated (T; older notation c.1934dupT).
Protein change: p.Leu645fs; shifts the reading frame from leucine 645.
Molecular consequence: frameshift variant. On other transcripts: non-coding transcript variant (4).
Genome position (GRCh38, 1-based): chr12:110,218,129, T duplicated; the last of 2 consecutive T bases (chr12:110,218,128-110,218,129); duplicating either gives the same sequence. VCF-style (leftmost placement, unchanged base first): chr12-110218127-A-AT. GRCh37 (hg19) VCF-style: chr12-110655932-A-AT.
Other names: c.1934dup, p.Leu645fs (NM_001143779.2); c.1004dup, p.Leu335fs (NM_001347947.2, NM_001347948.2); short protein forms L335fs, L645fs.
Identifiers: ClinVar variation 4979463 (VCV004979463.1).
Genomic context (GRCh38, chr12:110,218,127, plus strand): 5'-TATACGAGAAAGTCATGGTCCAAATATGAAACAAGCAAAAATGTGGCGTGATTTGGAACA[A>AT]TTAATGGAATGTAAGAAACAGTGCTTTCTGAAACAACAAAGCCAAACTTCCATTGGTCAG-3'